The following is an entry in ClinVar:

ClinVar aggregate classification (germline): Uncertain significance. Review status: criteria provided, multiple submitters, no conflicts (2 of 4 stars). 2 submissions from 2 submitters: Uncertain significance (2). Last evaluated 2018-10-31.

Allele frequency attached by ClinVar (database versions not stated): gnomAD 0.00003 and 0.00004; TOPMed 0.00003; ExAC 0.00004; ESP Exome Variant Server 0.00015.
gnomAD v4.1: 49 of 1,614,100 alleles (0.003%); highest among the groups gnomAD compares: Non-Finnish European, 0.004%; no homozygotes.

Submissions (2):

Fulgent Genetics
Classification: Uncertain significance. Last evaluated: 2018-10-31. Review status: criteria provided, single submitter. Criteria: ACMG Guidelines, 2015. Collection method: clinical testing. Allele origin: unknown.

Laboratory for Molecular Medicine, Mass General Brigham Personalized Medicine
Classification: Uncertain significance. Last evaluated: 2014-08-12. Review status: criteria provided, single submitter. Criteria: LMM Criteria. Collection method: clinical testing. Allele origin: germline. Observed: 1 variant allele.
Comment: The Pro560Ala variant in MYO1A has not been previously reported in individuals w ith hearing loss, but has been identified in 0.02% (2/8600) of European American chromosomes by the NHLBI Exome Sequencing Project (/EVS/; dbSNP rs140586750). Although this variant has been seen in the general po pulation, its frequency is not high enough to rule out a pathogenic role. Comput ational prediction tools and conservation analyses suggest that the Pro560Ala va riant may impact the protein, though this information is not predictive enough t o determine pathogenicity. In summary, the clinical significance of the Pro560Al a variant is uncertain.

Literature cited by the submitters: PubMed 24616153 (cited by Laboratory for Molecular Medicine, Mass General Brigham Personalized Medicine).

NM_005379.4(MYO1A):c.1678C>G (p.Pro560Ala)

Gene: MYO1A (myosin IA; minus strand). Cytogenetic location: 12q13.3.
Variant type: single nucleotide variant.
Coding change: c.1678C>G on transcript NM_005379.4 (MANE Select); coding-DNA position 1678, C replaced by G.
Protein change: p.Pro560Ala; replaces proline 560 with alanine.
Molecular consequence: missense variant.
Genome position (GRCh38, 1-based): chr12:57,038,494, G>C on the plus strand (C>G on the coding strand, the complement: MYO1A is on the minus strand). VCF-style: chr12-57038494-G-C. GRCh37 (hg19) VCF-style: chr12-57432278-G-C.
Other names: c.1678C>G, p.Pro560Ala (NM_001256041.2); short protein forms P560A.
Identifiers: ClinVar variation 164592 (VCV000164592.5), dbSNP rs140586750, ClinGen allele CA177309.